The following is an entry in ClinVar:

NM_032776.3(JMJD1C):c.7123A>G (p.Ile2375Val)

Gene: JMJD1C (jumonji domain containing 1C; minus strand). Cytogenetic location: 10q21.3.
Variant type: single nucleotide variant.
Coding change: c.7123A>G on transcript NM_032776.3 (MANE Select); coding-DNA position 7123, A replaced by G.
Protein change: p.Ile2375Val; replaces isoleucine 2375 with valine.
Molecular consequence: missense variant. On other transcripts: non-coding transcript variant (1).
Genome position (GRCh38, 1-based): chr10:63,177,818, T>C on the plus strand (A>G on the coding strand, the complement: JMJD1C is on the minus strand). VCF-style: chr10-63177818-T-C. GRCh37 (hg19) VCF-style: chr10-64937578-T-C.
Other names: c.6577A>G, p.Ile2193Val (NM_001282948.2, NM_001318154.2); c.6259A>G, p.Ile2087Val (NM_001318153.2); c.7009A>G, p.Ile2337Val (NM_001322252.2); c.6466A>G, p.Ile2156Val (NM_001322254.2, NM_001322258.2); short protein forms I2156V, I2193V, I2375V, I2087V, I2337V.
Identifiers: ClinVar variation 1506057 (VCV001506057.6), dbSNP rs2132821019, ClinGen allele CA377019932.
Genomic context (GRCh38, chr10:63,177,818, plus strand): 5'-CATAAATATGCCACAGAGCACCAGGTATTTCACTTGAGTCCTTCAATCTTTTCCTTAAAA[T>C]GTCATCCAAATCTTCTTCCTCAAATTTCTTGAGAATTCCTGAAACAAAGGAACATAATTT-3'
Protein context (NP_116165.1, residues 2365-2385): KKFEEEDLDD[Ile2375Val]LRKRLKDSSE

ClinVar aggregate classification (germline): Uncertain significance (1 of 4 stars; one submission).

Conditions:
Early Myoclonic Encephalopathy. Identifiers: MedGen C0270855.

Submission:

Labcorp Genetics (formerly Invitae), Labcorp
Classification: Uncertain significance for Early Myoclonic Encephalopathy. Last evaluated: 2021-11-04. Review status: criteria provided, single submitter. Criteria: Invitae Variant Classification Sherloc (09022015). Collection method: clinical testing. Allele origin: germline.
Comment: This variant has not been reported in the literature in individuals affected with JMJD1C-related conditions. This sequence change replaces isoleucine, which is neutral and non-polar, with valine, which is neutral and non-polar, at codon 2375 of the JMJD1C protein (p.Ile2375Val). This variant is not present in population databases (gnomAD no frequency). Algorithms developed to predict the effect of missense changes on protein structure and function output the following: SIFT: "Tolerated"; PolyPhen-2: "Benign"; Align-GVGD: "Class C0". The valine amino acid residue is found in multiple mammalian species, which suggests that this missense change does not adversely affect protein function. In summary, the available evidence is currently insufficient to determine the role of this variant in disease. Therefore, it has been classified as a Variant of Uncertain Significance.